The following is an entry in ClinVar:

NM_014855.3(AP5Z1):c.775G>A (p.Gly259Ser)

Gene: AP5Z1 (adaptor related protein complex 5 subunit zeta 1; plus strand). Cytogenetic location: 7p22.1.
Variant type: single nucleotide variant.
Coding change: c.775G>A on transcript NM_014855.3 (MANE Select); coding-DNA position 775, G replaced by A.
Protein change: p.Gly259Ser; replaces glycine 259 with serine.
Molecular consequence: missense variant. On other transcripts: non-coding transcript variant (1).
Genome position (GRCh38, 1-based): chr7:4,784,356, G>A. VCF-style: chr7-4784356-G-A. GRCh37 (hg19) VCF-style: chr7-4823987-G-A.
Other names: c.307G>A, p.Gly103Ser (NM_001364858.1); short protein forms G103S, G259S.
Identifiers: ClinVar variation 1936266 (VCV001936266.5), dbSNP rs2534044901, ClinGen allele CA366660494.

ClinVar aggregate classification (germline): Uncertain significance (1 of 4 stars; one submission).

Conditions:
Hereditary spastic paraplegia 48. Also called: SPASTIC PARAPLEGIA 48, AUTOSOMAL RECESSIVE; Spastic paraplegia 48. Identifiers: Orphanet 306511, MedGen C3150901, MONDO:0013342, OMIM 613647.

Submission:

Labcorp Genetics (formerly Invitae), Labcorp
Classification: Uncertain significance for Hereditary spastic paraplegia 48. Last evaluated: 2022-05-04. Review status: criteria provided, single submitter. Criteria: Invitae Variant Classification Sherloc (09022015). Collection method: clinical testing. Allele origin: germline.
Comment: In summary, the available evidence is currently insufficient to determine the role of this variant in disease. Therefore, it has been classified as a Variant of Uncertain Significance. This variant has not been reported in the literature in individuals affected with AP5Z1-related conditions. Algorithms developed to predict the effect of missense changes on protein structure and function output the following: SIFT: "Tolerated"; PolyPhen-2: "Benign"; Align-GVGD: "Class C0". The serine amino acid residue is found in multiple mammalian species, which suggests that this missense change does not adversely affect protein function. This variant is not present in population databases (gnomAD no frequency). This sequence change replaces glycine, which is neutral and non-polar, with serine, which is neutral and polar, at codon 259 of the AP5Z1 protein (p.Gly259Ser).